The following is an entry in ClinVar:

NM_001927.4(DES):c.1024A>G (p.Asn342Asp)

Gene: DES (desmin; plus strand). Cytogenetic location: 2q35.
Variant type: single nucleotide variant.
Coding change: c.1024A>G on transcript NM_001927.4 (MANE Select); coding-DNA position 1024, A replaced by G.
Protein change: p.Asn342Asp; replaces asparagine 342 with aspartic acid.
Molecular consequence: missense variant.
Genome position (GRCh38, 1-based): chr2:219,421,340, A>G. VCF-style: chr2-219421340-A-G. GRCh37 (hg19) VCF-style: chr2-220286062-A-G.
Other names: c.1024A>G (LRG_380t1); short protein forms N342D.
Identifiers: ClinVar variation 66388 (VCV000066388.17), dbSNP rs267607482, ClinGen allele CA217001.

ClinVar aggregate classification (germline): Pathogenic/Likely pathogenic. Review status: criteria provided, multiple submitters, no conflicts (2 of 4 stars). 6 submissions from 6 submitters: Pathogenic (1); Likely pathogenic (1). 4 of the submissions do not count toward it. Last evaluated 2026-09-11.

Conditions:
Desmin-related myofibrillar myopathy (MFM1). Also called: Desminopathy; Desmin related myopathy (former name); Desmin storage myopathy (former name); MYOFIBRILLAR MYOPATHY WITH ARRHYTHMOGENIC RIGHT VENTRICULAR CARDIOMYOPATHY; DESMIN-RELATED MYOPATHY WITH ARRHYTHMOGENIC RIGHT VENTRICULAR CARDIOMYOPATHY; Myofibrillar myopathy 1. Identifiers: Orphanet 363543, Orphanet 98909, MedGen C1832370, MONDO:0011076, OMIM 601419.

Submissions (6):

Foundation for Research in Genetics and Endocrinology, FRIGE's Institute of Human Genetics
Classification: Likely pathogenic for Desmin-related myofibrillar myopathy. Last evaluated: 2026-09-11. Review status: criteria provided, single submitter. Criteria: ACMG Guidelines, 2015. Collection method: clinical testing. Allele origin: germline. Inheritance: Autosomal dominant inheritance. Affected: yes. Observed: 1 variant allele, 1 heterozygote.
Comment: A heterozygous missense variant in exon 6 of the DES gene that results in the amino acid substitution of Aspartic acid for Asparagine at codon 342 (p.Asn342Asp) was detected. This variant has not been reported in the 1000 genomes, gnomAD (v3.1), gnomAD (v2.1) and topmed databases. The in-silico predictions of the variant are probably damaging by PolyPhen-2 and damaging by SIFT, LRT, CONDEL, FATHMM and MetaSVM. The reference codon is conserved across species. In summary, the variant meets our criteria to be classified as likely pathogenic.

Labcorp Genetics (formerly Invitae), Labcorp
Classification: Pathogenic for Desmin-related myofibrillar myopathy. Last evaluated: 2016-12-27. Review status: criteria provided, single submitter. Criteria: Invitae Variant Classification Sherloc (09022015). Collection method: clinical testing. Allele origin: germline.
Comment: This sequence change replaces asparagine with aspartic acid at codon 342 of the DES protein (p.Asn342Asp). The asparagine residue is highly conserved and there is a small physicochemical difference between asparagine and aspartic acid. This variant is not present in population databases (rs267607482, ExAC no frequency). This variant has been reported in several families and individuals affected with desmin-related myofibrillar myopathy (PMID: 22215463, 10717012, 12609507, 20423733, 22153487). In one of these families, this variant was shown to arise de novo (PMID: 12609507). ClinVar contains an entry for this variant (Variation ID: 66388). Experimental studies have shown that this missense change impairs desmin filamentous network formation and causes cytoplasmic desmin aggregates in vitro (PMID: 22403400, 12609507). For these reasons, this variant has been classified as Pathogenic.

OMIM
Classification: Pathogenic for MYOPATHY, MYOFIBRILLAR, 1. Last evaluated: 2010-08-01. Review status: no assertion criteria provided. Collection method: literature only. Allele origin: germline. Not counted in ClinVar's aggregate classification.

Epithelial Biology;  Institute of Medical Biology, Singapore
No classification provided. Review status: no classification provided. Collection method: not provided. Allele origin: not provided. Not counted in ClinVar's aggregate classification.

Joint Genome Diagnostic Labs from Nijmegen and Maastricht, Radboudumc and MUMC+
Classification: Pathogenic. Review status: no assertion criteria provided. Collection method: clinical testing. Allele origin: germline. Affected: yes. Study: VKGL Data-share Consensus. Not counted in ClinVar's aggregate classification.

Laboratory of Diagnostic Genome Analysis, Leiden University Medical Center (LUMC)
Classification: Pathogenic. Review status: no assertion criteria provided. Collection method: clinical testing. Allele origin: germline. Affected: yes. Study: VKGL Data-share Consensus. Not counted in ClinVar's aggregate classification.

Literature cited by the submitters: PubMed 22215463 (cited by Labcorp Genetics (formerly Invitae), Labcorp); PubMed 10717012 (cited by Labcorp Genetics (formerly Invitae), Labcorp); PubMed 12609507 (cited by Labcorp Genetics (formerly Invitae), Labcorp); PubMed 20423733 (cited by Labcorp Genetics (formerly Invitae), Labcorp and OMIM); PubMed 22153487 (cited by Labcorp Genetics (formerly Invitae), Labcorp); PubMed 22403400 (cited by Labcorp Genetics (formerly Invitae), Labcorp).